The following is an entry in ClinVar:

NM_002711.4(PPP1R3A):c.1985_1986del (p.Gln662fs)

Gene: PPP1R3A (protein phosphatase 1 regulatory subunit 3A; minus strand). Cytogenetic location: 7q31.1.
Variant type: Deletion.
Coding change: c.1985_1986del on transcript NM_002711.4 (MANE Select); coding-DNA positions 1985 to 1986, 2 bases deleted (AG; older notation c.1985_1986delAG).
Protein change: p.Gln662fs; shifts the reading frame from glutamine 662.
Molecular consequence: frameshift variant.
Genome position (GRCh38, 1-based): chr7:113,879,106-113,879,107, CT deleted on the plus strand (AG on the coding strand, the reverse complement: PPP1R3A is on the minus strand). VCF-style (leftmost placement, unchanged base first): chr7-113879105-CCT-C. GRCh37 (hg19) VCF-style: chr7-113519160-CCT-C.
Other names: short protein forms Q662fs.
Identifiers: ClinVar variation 436408 (VCV000436408.12), dbSNP rs527638422, ClinGen allele CA4445168.
Genomic context (GRCh38, chr7:113,879,105, plus strand): 5'-CACAATCTGTTTGTCCTTTGATATGCTCTGTTATGTTTGTCTTATTCTCTCTTGATTTTC[CCT>C]GACTTTCCAGAACATTCCAACTTTGTTTATGCTGTGGGCTATTATCCTGATCTTCAGAAT-3'

ClinVar aggregate classification (germline): Uncertain significance. Review status: criteria provided, multiple submitters, no conflicts (2 of 4 stars). 6 submissions from 5 submitters: Uncertain significance (3). 3 of the submissions do not count toward it. Last evaluated 2018-11-21.

Conditions:
INSULIN RESISTANCE, SEVERE, DIGENIC. Identifiers: MedGen C4016701.
DIABETES MELLITUS, TYPE II, DIGENIC. Also called: TYPE 2 DIABETES MELLITUS, DIGENIC. Identifiers: MedGen C4017629.
Monogenic diabetes. Identifiers: Orphanet 183625, MedGen C3888631, MONDO:0015967.

Allele frequency attached by ClinVar (database versions not stated): 1000 Genomes Project 0.00060; 1000 Genomes Project 30x 0.00094; gnomAD exomes 0.00229 and 0.00402; TOPMed 0.00246; ExAC 0.00249; gnomAD 0.00266 and 0.00279; ESP Exome Variant Server 0.00344.

Submissions (6):

Personalized Diabetes Medicine Program, University of Maryland School of Medicine
Classification: Uncertain significance for Monogenic diabetes. Last evaluated: 2018-11-21. Review status: criteria provided, single submitter. Criteria: ACMG Guidelines, 2015. Collection method: research. Allele origin: unknown. Observed: 2 variant alleles, 2 heterozygotes.
Comment: ACMG criteria: PVS1 (not sure whether frameshift, not sure whether LOF of PPP1R3A is a known mechanism for disease since there is only one report and in this report the deletion could be a modifier ) Variant reported in PMID 12118251: PPARG/PPP1R3A digenic inheritance; BS2 (3 homozygotes in gnomAD NFE)=VUS

Genetic Services Laboratory, University of Chicago
Classification: Uncertain significance. Last evaluated: 2016-05-11. Review status: criteria provided, single submitter. Criteria: ACMG Guidelines, 2015. Collection method: clinical testing. Allele origin: germline. Affected: no.

Breakthrough Genomics
Classification: Uncertain significance. Review status: criteria provided, single submitter. Criteria: ACMG Guidelines, 2015. Collection method: not provided. Allele origin: germline. Inheritance: Autosomal recessive inheritance. Affected: yes.

OMIM
Classification: Pathogenic for INSULIN RESISTANCE, SEVERE, DIGENIC. Last evaluated: 2002-08-01. Review status: no assertion criteria provided. Collection method: literature only. Allele origin: germline. Not counted in ClinVar's aggregate classification.

OMIM
Classification: Pathogenic for DIABETES MELLITUS, TYPE II, DIGENIC. Last evaluated: 2002-08-01. Review status: no assertion criteria provided. Collection method: literature only. Allele origin: germline. Not counted in ClinVar's aggregate classification.

Department of Pathology and Laboratory Medicine, Sinai Health System
Classification: Uncertain significance. Review status: no assertion criteria provided. Collection method: clinical testing. Allele origin: unknown. Affected: yes. Study: The Canadian Open Genetics Repository (COGR). Not counted in ClinVar's aggregate classification.
Comment: The PPP1R3A p.Gln662Argfs*7 variant was not identified in the literature but was identified in dbSNP (ID: rs527638422), ClinVar (classified as a VUS by Genetic Services Laboratory, University of Chicago), Cosmic and LOVD 3.0 (classified as a VUS). The variant was also identified in control databases in 647 of 282108 chromosomes (3 homozygous) at a frequency of 0.002293 increasing the likelihood this could be a low frequency benign variant (Genome Aggregation Database Feb 27, 2017). The variant was observed in the following populations: European (non-Finnish) in 563 of 128528 chromosomes (freq: 0.00438), Other in 12 of 7206 chromosomes (freq: 0.001665), European (Finnish) in 34 of 25120 chromosomes (freq: 0.001354), African in 24 of 24962 chromosomes (freq: 0.000962) and Latino in 14 of 35390 chromosomes (freq: 0.000396), but was not observed in the Ashkenazi Jewish, East Asian or South Asian populations. The c.1985_1986del variant is predicted to cause a frameshift, which alters the protein's amino acid sequence beginning at codon 662 and leads to a premature stop codon 7 codons downstream. This alteration is then predicted to result in a truncated or absent protein and loss of function. Loss of function variants in the PPP1R3A gene are not a known mechanism of disease. In summary, based on the above information the clinical significance of this variant cannot be determined with certainty at this time. This variant is classified as a variant of uncertain significance.

Literature cited by the submitters: PubMed 12118251 (cited by Personalized Diabetes Medicine Program, University of Maryland School of Medicine and OMIM).